The following is an entry in ClinVar:

NM_003000.3(SDHB):c.49A>G (p.Thr17Ala)

Genes: SDHB (succinate dehydrogenase complex iron sulfur subunit B; minus strand), LOC129929542 (ATAC-STARR-seq lymphoblastoid active region 277; plus strand). Cytogenetic location: 1p36.13.
Variant type: single nucleotide variant.
Coding change: c.49A>G on transcript NM_003000.3 (MANE Select); coding-DNA position 49, A replaced by G.
Protein change: p.Thr17Ala; replaces threonine 17 with alanine.
Molecular consequence: missense variant.
Genome position (GRCh38, 1-based): chr1:17,053,971, T>C on the plus strand (A>G on the coding strand, the complement: SDHB is on the minus strand). VCF-style: chr1-17053971-T-C. GRCh37 (hg19) VCF-style: chr1-17380466-T-C.
Other names: short protein forms T17A.
Identifiers: ClinVar variation 412461 (VCV000412461.29), dbSNP rs1060503756, ClinGen allele CA16609953.
Genomic context (GRCh38, chr1:17,053,971, plus strand): 5'-TTCCTGACTTTTCCCTCTCTGAGGCTCCAGGACTCACCTGCAGGCAGGCTCCGCCAAGGG[T>C]TGTGGCCGGCAACCGGCGCCTCAAGGAGAGGGCGACCACCGCCGCCATCTTGGCTCCTGA-3'
Protein context (NP_002991.2, residues 7-27): LSLRRRLPAT[Thr17Ala]LGGACLQASR

ClinVar aggregate classification (germline): Uncertain significance. Review status: criteria provided, multiple submitters, no conflicts (2 of 4 stars). 6 submissions from 6 submitters: Uncertain significance (6). Last evaluated 2026-01-20.

Conditions:
Pheochromocytoma/paraganglioma syndrome 4. Also called: PARAGANGLIOMA, FAMILIAL MALIGNANT; PARAGANGLIOMAS, HEREDITARY EXTRAADRENAL; PHEOCHROMOCYTOMA, FAMILIAL EXTRAADRENAL; Paragangliomas 4; CAROTID BODY TUMORS AND MULTIPLE EXTRAADRENAL PHEOCHROMOCYTOMAS; SDHB-Related Hereditary Paraganglioma-Pheochromocytoma Syndrome (Paragangliomas 4). Identifiers: Orphanet 29072, MedGen C1861848, MONDO:0007273, OMIM 115310.
Gastrointestinal stromal tumor. Also called: Gastrointestinal stroma tumor; Gastrointestinal stromal tumor, somatic. Identifiers: Orphanet 44890, MedGen C0238198, MeSH D046152, MONDO:0011719, OMIM 606764, HP:0100723.
Pheochromocytoma. Also called: MAX-Related Hereditary Paraganglioma-Pheochromocytoma Syndrome. Identifiers: Orphanet 29072, MedGen C0031511, MONDO:0008233, OMIM 171300, HP:0002666.
Hereditary pheochromocytoma and paraganglioma. Also called: Hereditary Paraganglioma-Pheochromocytoma Syndromes; Hereditary pheochromocytoma-paraganglioma; Hereditary paragangliomas and pheochromocytomas. Identifiers: Orphanet 29072, MedGen C4274332, MONDO:0017366.
Hereditary cancer-predisposing syndrome. Also called: Neoplastic Syndromes, Hereditary; Hereditary Cancer Syndrome; Hereditary neoplastic syndrome; Tumor predisposition. Identifiers: Orphanet 140162, MedGen C0027672, MeSH D009386, MONDO:0015356.

Allele frequency attached by ClinVar (database versions not stated): gnomAD exomes below 0.00001; gnomAD 0.00001; TOPMed 0.00002.
gnomAD v4.1: 8 of 1,613,046 alleles (0.0005%); highest among the groups gnomAD compares: Admixed American, 0.0017%; no homozygotes.

Submissions (6):

Labcorp Genetics (formerly Invitae), Labcorp
Classification: Uncertain significance for Gastrointestinal stromal tumor; Pheochromocytoma/paraganglioma syndrome 4; Pheochromocytoma. Last evaluated: 2026-01-20. Review status: criteria provided, single submitter. Criteria: Invitae Variant Classification Sherloc (09022015). Collection method: clinical testing. Allele origin: germline.
Comment: This sequence change replaces threonine, which is neutral and polar, with alanine, which is neutral and non-polar, at codon 17 of the SDHB protein (p.Thr17Ala). The frequency data for this variant in the population databases is considered unreliable, as metrics indicate poor data quality at this position in the gnomAD database. This missense change has been observed in individual(s) with paraganglioma and/or pheochromocytoma (PMID: 22293219, 26269449, 29386252, 30050099). ClinVar contains an entry for this variant (Variation ID: 412461). Invitae Evidence Modeling of protein sequence and biophysical properties (such as structural, functional, and spatial information, amino acid conservation, physicochemical variation, residue mobility, and thermodynamic stability) indicates that this missense variant is not expected to disrupt SDHB protein function with a negative predictive value of 95%. RNA analysis performed to evaluate the impact of this missense change on mRNA splicing indicates it does not significantly alter splicing (internal data). In summary, the available evidence is currently insufficient to determine the role of this variant in disease. Therefore, it has been classified as a Variant of Uncertain Significance.

Dasa
Classification: Uncertain significance. Last evaluated: 2026-01-03. Review status: criteria provided, single submitter. Criteria: DASA Assertion Criteria. Collection method: clinical testing. Allele origin: germline.
Comment: NM_003000.3(SDHB):c.49A>G (p.Thr17Ala) is a missense variant that results in the substitution of threonine with alanine. This variant is rare in population databases. The currently available literature and clinical evidence are not sufficient to establish a definitive association between this variant and the reported condition. Therefore, this variant is classified as a variant of uncertain significance.

Color Diagnostics, LLC DBA Color Health
Classification: Uncertain significance for Hereditary pheochromocytoma and paraganglioma. Last evaluated: 2025-09-04. Review status: criteria provided, single submitter. Criteria: ACMG Guidelines, 2015. Collection method: clinical testing. Allele origin: germline.
Comment: This missense variant replaces threonine with alanine at codon 17 of the SDHB protein. Computational prediction is inconclusive regarding the impact of this variant on protein structure and function. This amino acid position is poorly conserved in vertebrate species (UCSC genome browser). To our knowledge, functional studies have not been reported for this variant. Another clinical laboratory has state that this variant does not significantly affect mRNA splicing (ClinVar Variation ID: VCV000412461.10SCV000553994.8). This variant has been reported in multiple individuals affected with pheochromocytoma or paraganglioma in the literature (PMID: 22293219, 23404858, 26269449, 29386252, 30050099, 31104306). This variant has not been identified in the general population by the Genome Aggregation Database (gnomAD). The available evidence is insufficient to determine the role of this variant in disease conclusively. Therefore, this variant is classified as a Variant of Uncertain Significance.

Ambry Genetics
Classification: Uncertain significance for Hereditary cancer-predisposing syndrome. Last evaluated: 2024-12-31. Review status: criteria provided, single submitter. Criteria: Ambry Variant Classification Scheme 2023. Collection method: clinical testing. Allele origin: germline.
Comment: The p.T17A variant (also known as c.49A>G), located in coding exon 1 of the SDHB gene, results from an A to G substitution at nucleotide position 49. The threonine at codon 17 is replaced by alanine, an amino acid with similar properties. This alteration has been identified in multiple individuals with paragangliomas and/or pheochromocytomas (Domingues R et al. J. Endocrinol. Invest. 2012 Dec;35:975-80; Casc&oacute;n A et al. Endocr Relat Cancer, 2013 Jun;20:L1-6; Donato S et al. Endocrine, 2019 08;65:408-415; Richter S et al. Genet. Med., 2019 03;21:705-717). This amino acid position is poorly conserved in available vertebrate species and alanine is the reference amino acid in many other vertebrate species. In addition, the in silico prediction for this alteration is inconclusive. Based on the available evidence, the clinical significance of this variant remains unclear.

GeneDx
Classification: Uncertain significance. Last evaluated: 2024-06-11. Review status: criteria provided, single submitter. Criteria: GeneDx Variant Classification Process June 2021. Collection method: clinical testing. Allele origin: germline.
Comment: Not observed at significant frequency in large population cohorts (gnomAD); In silico analysis indicates that this missense variant does not alter protein structure/function; Observed in individuals with a personal or family history of paraganglioma, but tumor studies in one individual implicated VHL as the causative locus and also did not find an elevated succinate: fumarate ratio (PMID: 22293219, 23404858, 29386252, 30050099); This variant is associated with the following publications: (PMID: 29386252, 26269449, 26273102, 30050099, 23404858, 31104306, 22293219)

Women's Health and Genetics/Laboratory Corporation of America, LabCorp
Classification: Uncertain significance. Last evaluated: 2023-01-19. Review status: criteria provided, single submitter. Criteria: LabCorp Variant Classification Summary - May 2015. Collection method: clinical testing. Allele origin: germline.
Comment: Variant summary: SDHB c.49A>G (p.Thr17Ala) results in a non-conservative amino acid change in the encoded protein sequence. Three of five in-silico tools predict a benign effect of the variant on protein function. The variant was absent in 242948 control chromosomes. The available data on variant occurrences in the general population are insufficient to allow any conclusion about variant significance. c.49A>G has been reported in the literature as a VUS/likely benign variant in individuals affected with features of single pheochromocytoma and/or paraganglioma (example, PMID: 22293219, 30050099, 23404858, 31104306, 29386252, 26269449). These report(s) do not provide unequivocal conclusions about association of the variant with Pheochromocytoma. To our knowledge, no experimental evidence demonstrating an impact on protein function has been reported. Two clinical diagnostic laboratories have submitted clinical-significance assessments for this variant to ClinVar after 2014 without evidence for independent evaluation. All laboratories classified the variant as uncertain significance. Based on the evidence outlined above, the variant was classified as uncertain significance.

Literature cited by the submitters: PubMed 22293219 (cited by 4 submitters); PubMed 26269449 (cited by 3 submitters); PubMed 29386252 (cited by 4 submitters); PubMed 30050099 (cited by 4 submitters); PubMed 23404858 (cited by 3 submitters); PubMed 31104306 (cited by 3 submitters).